The following is an entry in ClinVar:

ClinVar aggregate classification (germline): Uncertain significance (1 of 4 stars; one submission).

Submission:

Ambry Genetics
Classification: Uncertain significance. Last evaluated: 2024-11-24. Review status: criteria provided, single submitter. Criteria: Ambry Variant Classification Scheme 2023. Collection method: clinical testing. Allele origin: germline.
Comment: The p.S126N variant (also known as c.377G>A), located in coding exon 1 of the MC1R gene, results from a G to A substitution at nucleotide position 377. The serine at codon 126 is replaced by asparagine, an amino acid with highly similar properties. This amino acid position is conserved. In addition, this alteration is predicted to be tolerated by in silico analysis. Based on the available evidence, the clinical significance of this variant remains unclear.

NM_002386.4(MC1R):c.377G>A (p.Ser126Asn)

Gene: MC1R (melanocortin 1 receptor; plus strand). Cytogenetic location: 16q24.3.
Variant type: single nucleotide variant.
Coding change: c.377G>A on transcript NM_002386.4 (MANE Select); coding-DNA position 377, G replaced by A.
Protein change: p.Ser126Asn; replaces serine 126 with asparagine.
Molecular consequence: missense variant.
Genome position (GRCh38, 1-based): chr16:89,919,635, G>A. VCF-style: chr16-89919635-G-A. GRCh37 (hg19) VCF-style: chr16-89986043-G-A.
Other names: short protein forms S126N.
Identifiers: ClinVar variation 3543965 (VCV003543965.1).